The following is an entry in ClinVar:

NM_001348768.2(HECW2):c.1618T>C (p.Ser540Pro)

Gene: HECW2 (HECT, C2 and WW domain containing E3 ubiquitin protein ligase 2; minus strand). Cytogenetic location: 2q32.3.
Variant type: single nucleotide variant.
Coding change: c.1618T>C on transcript NM_001348768.2 (MANE Select); coding-DNA position 1618, T replaced by C.
Protein change: p.Ser540Pro; replaces serine 540 with proline.
Molecular consequence: missense variant.
Genome position (GRCh38, 1-based): chr2:196,319,272, A>G on the plus strand (T>C on the coding strand, the complement: HECW2 is on the minus strand). VCF-style: chr2-196319272-A-G. GRCh37 (hg19) VCF-style: chr2-197183996-A-G.
Other names: c.550T>C, p.Ser184Pro (NM_001304840.3); c.1618T>C, p.Ser540Pro (NM_020760.4); short protein forms S184P, S540P.
Identifiers: ClinVar variation 2577135 (VCV002577135.1), dbSNP rs761592024, ClinGen allele CA2038296.

ClinVar aggregate classification (germline): Uncertain significance (1 of 4 stars; one submission).

Allele frequency attached by ClinVar (database versions not stated): TOPMed below 0.00001; ExAC 0.00001; gnomAD 0.00001; gnomAD exomes 0.00001.
gnomAD v4.1: 10 of 1,607,994 alleles (0.00062%); highest among the groups gnomAD compares: Admixed American, 0.0017%; no homozygotes.

Submission:

Women's Health and Genetics/Laboratory Corporation of America, LabCorp
Classification: Uncertain significance. Last evaluated: 2023-07-25. Review status: criteria provided, single submitter. Criteria: LabCorp Variant Classification Summary - May 2015. Collection method: clinical testing. Allele origin: germline.
Comment: Variant summary: HECW2 c.1618T>C (p.Ser540Pro) results in a non-conservative amino acid change in the encoded protein sequence. Four of five in-silico tools predict a benign effect of the variant on protein function. The variant allele was found at a frequency of 8.2e-06 in 245154 control chromosomes. The available data on variant occurrences in the general population are insufficient to allow any conclusion about variant significance. To our knowledge, no occurrence of c.1618T>C in individuals affected with Neurodevelopmental Disorder With Hypotonia, Seizures, And Absent Language and no experimental evidence demonstrating its impact on protein function have been reported. No submitters have cited clinical-significance assessments for this variant to ClinVar after 2014. Based on the evidence outlined above, the variant was classified as uncertain significance.